The following is an entry in ClinVar:

NM_002476.2(MYL4):c.82G>A (p.Ala28Thr)

Gene: MYL4 (myosin light chain 4; plus strand). Cytogenetic location: 17q21.32.
Variant type: single nucleotide variant.
Coding change: c.82G>A on transcript NM_002476.2 (MANE Select); coding-DNA position 82, G replaced by A.
Protein change: p.Ala28Thr; replaces alanine 28 with threonine.
Molecular consequence: missense variant.
Genome position (GRCh38, 1-based): chr17:47,209,504, G>A. VCF-style: chr17-47209504-G-A. GRCh37 (hg19) VCF-style: chr17-45286870-G-A.
Other names: c.82G>A, p.Ala28Thr (NM_001002841.2); short protein forms A28T.
Identifiers: ClinVar variation 1358721 (VCV001358721.8), dbSNP rs2149040773, ClinGen allele CA400031067.

ClinVar aggregate classification (germline): Uncertain significance (1 of 4 stars; one submission).

Conditions:
Atrial fibrillation, familial, 18 (ATFB18). Identifiers: MedGen C4310636, MONDO:0015001, OMIM 617280.

Submission:

Labcorp Genetics (formerly Invitae), Labcorp
Classification: Uncertain significance for Atrial fibrillation, familial, 18. Last evaluated: 2022-04-02. Review status: criteria provided, single submitter. Criteria: Invitae Variant Classification Sherloc (09022015). Collection method: clinical testing. Allele origin: germline.
Comment: This sequence change replaces alanine, which is neutral and non-polar, with threonine, which is neutral and polar, at codon 28 of the MYL4 protein (p.Ala28Thr). This variant is not present in population databases (gnomAD no frequency). This variant has not been reported in the literature in individuals affected with MYL4-related conditions. Algorithms developed to predict the effect of missense changes on protein structure and function are either unavailable or do not agree on the potential impact of this missense change (SIFT: "Tolerated"; PolyPhen-2: "Not Available"; Align-GVGD: "Class C0"). In summary, the available evidence is currently insufficient to determine the role of this variant in disease. Therefore, it has been classified as a Variant of Uncertain Significance.